The following is an entry in ClinVar:

ClinVar aggregate classification (germline): Pathogenic/Likely pathogenic. Review status: criteria provided, multiple submitters, no conflicts (2 of 4 stars). 2 submissions from 2 submitters: Pathogenic (1); Likely pathogenic (1). Last evaluated 2023-12-13.

Allele frequency attached by ClinVar (database versions not stated): gnomAD exomes below 0.00001 and 0.00002; gnomAD 0.00001 and 0.00002; ExAC 0.00002; TOPMed 0.00003; ESP Exome Variant Server 0.00023.
gnomAD v4.1: 7 of 1,613,616 alleles (0.00043%); highest among the groups gnomAD compares: African/African-American, 0.008%; no homozygotes.

Submissions (2):

Labcorp Genetics (formerly Invitae), Labcorp
Classification: Pathogenic. Last evaluated: 2023-12-13. Review status: criteria provided, single submitter. Criteria: Invitae Variant Classification Sherloc (09022015). Collection method: clinical testing. Allele origin: germline.
Comment: This sequence change creates a premature translational stop signal (p.Trp23*) in the RAB3GAP1 gene. It is expected to result in an absent or disrupted protein product. Loss-of-function variants in RAB3GAP1 are known to be pathogenic (PMID: 23420520). This variant is present in population databases (rs145829300, gnomAD 0.02%). This premature translational stop signal has been observed in individual(s) with Warburg Micro syndrome (PMID: 23420520). ClinVar contains an entry for this variant (Variation ID: 450518). For these reasons, this variant has been classified as Pathogenic.

GeneDx
Classification: Likely pathogenic. Last evaluated: 2023-09-28. Review status: criteria provided, single submitter. Criteria: GeneDx Variant Classification Process June 2021. Collection method: clinical testing. Allele origin: germline. Affected: yes.
Comment: Reported in a large cohort of individuals with cardiovascular disease traits, but segregation and detailed clinical information is not provided (Glicksberg et al., 2019); Nonsense variant predicted to result in protein truncation or nonsense mediated decay in a gene for which loss-of-function is a known mechanism of disease; This variant is associated with the following publications: (PMID: 31345219)

Literature cited by the submitters: PubMed 23420520 (cited by Labcorp Genetics (formerly Invitae), Labcorp).

NM_012233.3(RAB3GAP1):c.68G>A (p.Trp23Ter)

Gene: RAB3GAP1 (RAB3 GTPase activating protein catalytic subunit 1; plus strand). Cytogenetic location: 2q21.3.
Variant type: single nucleotide variant.
Coding change: c.68G>A on transcript NM_012233.3 (MANE Select); coding-DNA position 68, G replaced by A.
Protein change: p.Trp23Ter; replaces tryptophan 23 with a stop codon.
Molecular consequence: nonsense.
Genome position (GRCh38, 1-based): chr2:135,052,479, G>A. VCF-style: chr2-135052479-G-A. GRCh37 (hg19) VCF-style: chr2-135810049-G-A.
Other names: c.68G>A, p.Trp23Ter (NM_001172435.2); short protein forms W23*.
Identifiers: ClinVar variation 450518 (VCV000450518.7), dbSNP rs145829300, ClinGen allele CA1884399.
Genomic context (GRCh38, chr2:135,052,479, plus strand): 5'-CCTTCCCGCAGCCCGAATCCGAGGTATTTGAGATCACGGACTTCACCACTGCCTCGGAAT[G>A]GGAAAGGTGAGTGAATCGCATTTTTGGTTACCAGCTCCCATGGGCCCTGGCGTCCCCTAG-3'